The following is an entry in ClinVar:

ClinVar aggregate classification (germline): Pathogenic (1 of 4 stars; one submission).

Conditions:
Hereditary angioedema type 1 (HAE1). Identifiers: Orphanet 100050, Orphanet 100051, Orphanet 91378, MedGen C2717906, MONDO:0015053, OMIM 106100.

Submission:

Division of Rheumatology, Allergy and Immunology, UCSD
Classification: Pathogenic for Hereditary angioedema type 1. Last evaluated: 2020-08-25. Review status: criteria provided, single submitter. Criteria: ACMG Guidelines, 2015. Collection method: research. Allele origin: somatic. Affected: yes. Observed: 1 variant allele.
Comment: Predicted loss-of-function (LOF) associated with low C1-INH plasma levels in patients with hereditary angioedema symptoms.

NM_000062.3(SERPING1):c.195del (p.Leu65fs)

Gene: SERPING1 (serpin family G member 1; plus strand). Cytogenetic location: 11q12.1.
Variant type: Deletion.
Coding change: c.195del on transcript NM_000062.3 (MANE Select); coding-DNA position 195, one base deleted (G; older notation c.195delG).
Protein change: p.Leu65fs; shifts the reading frame from leucine 65.
Molecular consequence: frameshift variant.
Genome position (GRCh38, 1-based): chr11:57,600,022, G deleted. VCF-style (leftmost placement, unchanged base first): chr11-57600021-TG-T. GRCh37 (hg19) VCF-style: chr11-57367494-TG-T.
Other names: c.195del, p.Leu65fs (NM_001032295.2); short protein forms L65fs.
Identifiers: ClinVar variation 979213 (VCV000979213.3), dbSNP rs1945329402, ClinGen allele CA1139661961.